The following is an entry in ClinVar:

NM_001002010.5(NT5C3A):c.129C>A (p.Ile43=)

Gene: NT5C3A (5'-nucleotidase, cytosolic IIIA; minus strand). Cytogenetic location: 7p14.3.
Variant type: single nucleotide variant.
Coding change: c.129C>A on transcript NM_001002010.5 (MANE Select); coding-DNA position 129, C replaced by A.
Protein change: p.Ile43=; no amino-acid change (isoleucine 43 retained).
Molecular consequence: synonymous variant. On other transcripts: 5 prime UTR variant (3).
Genome position (GRCh38, 1-based): chr7:33,062,577, G>T on the plus strand (C>A on the coding strand, the complement: NT5C3A is on the minus strand). VCF-style: chr7-33062577-G-T. GRCh37 (hg19) VCF-style: chr7-33102189-G-T.
Other names: c.-29C>A (NM_001002009.3, NM_001374339.1); c.129C>A, p.Ile43= (NM_001374335.1, NM_001374338.1); c.-146C>A (NM_001374336.1).
Identifiers: ClinVar variation 2920844 (VCV002920844.2), dbSNP rs755372751, ClinGen allele CA4213603.

ClinVar aggregate classification (germline): Likely benign. Review status: criteria provided, single submitter (1 of 4 stars). 2 submissions from 2 submitters: Likely benign (1). 1 of the submissions does not count toward it. Last evaluated 2022-12-23.

Conditions:
Hemolytic anemia due to pyrimidine 5' nucleotidase deficiency (CNSHA8). Also called: HEMOLYTIC ANEMIA DUE TO P5N DEFICIENCY; HEMOLYTIC ANEMIA DUE TO UMPH1 DEFICIENCY; P5N DEFICIENCY; PYRIMIDINE 5-PRIME NUCLEOTIDASE DEFICIENCY, HEMOLYTIC ANEMIA DUE TO; UMPH1 DEFICIENCY. Identifiers: Orphanet 35120, MedGen C1849507, MONDO:0009946, OMIM 266120.
NT5C3A-related disorder. Also called: NT5C3A-related condition.

Allele frequency attached by ClinVar (database versions not stated): TOPMed 0.00003; gnomAD 0.00004; ExAC 0.00007.
gnomAD v4.1: 59 of 1,610,296 alleles (0.0037%); highest among the groups gnomAD compares: East Asian, 0.036%; no homozygotes.

Submissions (2):

ARUP Laboratories, Molecular Genetics and Genomics, ARUP Laboratories
Classification: Likely benign for Hemolytic anemia due to pyrimidine 5' nucleotidase deficiency. Last evaluated: 2022-12-23. Review status: criteria provided, single submitter. Criteria: ARUP Molecular Germline Variant Investigation Process 2024. Collection method: clinical testing. Allele origin: germline.

PreventionGenetics, part of Exact Sciences
Classification: Likely benign for NT5C3A-related condition. Last evaluated: 2024-04-25. Review status: no assertion criteria provided. Collection method: clinical testing. Allele origin: germline. Not counted in ClinVar's aggregate classification.
Comment: This variant is classified as likely benign based on ACMG/AMP sequence variant interpretation guidelines (Richards et al. 2015 PMID: 25741868, with internal and published modifications).